The following is an entry in ClinVar:

ClinVar aggregate classification (germline): Uncertain significance. Review status: criteria provided, multiple submitters, no conflicts (2 of 4 stars). 3 submissions from 3 submitters: Uncertain significance (3). Last evaluated 2025-12-24.

Conditions:
Familial adenomatous polyposis 3. Also called: NTHL1-associated polyposis; NTHL1 Tumor Syndrome; NTHL1-Related Adenomatous Polyposis and Colorectal Cancer; NTHL1-related attenuated familial adenomatous polyposis. Identifiers: Orphanet 220460, Orphanet 454840, MedGen C4225157, MONDO:0014630, OMIM 616415.
Hereditary cancer-predisposing syndrome. Also called: Tumor predisposition; Hereditary Cancer Syndrome; Hereditary neoplastic syndrome; Neoplastic Syndromes, Hereditary. Identifiers: Orphanet 140162, MedGen C0027672, MeSH D009386, MONDO:0015356.

Allele frequency attached by ClinVar (database versions not stated): TOPMed 0.00001.
gnomAD v4.1: 3 of 1,612,440 alleles (0.00019%); highest among the groups gnomAD compares: Non-Finnish European, 0.00025%; no homozygotes.

Submissions (3):

Labcorp Genetics (formerly Invitae), Labcorp
Classification: Uncertain significance. Last evaluated: 2025-12-24. Review status: criteria provided, single submitter. Criteria: Invitae Variant Classification Sherloc (09022015). Collection method: clinical testing. Allele origin: germline.
Comment: This sequence change falls in intron 5 of the NTHL1 gene. It does not directly change the encoded amino acid sequence of the NTHL1 protein. It affects a nucleotide within the consensus splice site. This variant is present in population databases (no rsID available, gnomAD 0.007%). This variant has not been reported in the literature in individuals affected with NTHL1-related conditions. ClinVar contains an entry for this variant (Variation ID: 846174). Variants that disrupt the consensus splice site are a relatively common cause of aberrant splicing (PMID: 17576681, 9536098). Studies have shown that this variant is associated with inconclusive levels of altered splicing (internal data). In summary, the available evidence is currently insufficient to determine the role of this variant in disease. Therefore, it has been classified as a Variant of Uncertain Significance.

Fulgent Genetics
Classification: Uncertain significance for Familial adenomatous polyposis 3. Last evaluated: 2024-03-07. Review status: criteria provided, single submitter. Criteria: ACMG Guidelines, 2015. Collection method: clinical testing. Allele origin: germline.

Ambry Genetics
Classification: Uncertain significance for Hereditary cancer-predisposing syndrome. Last evaluated: 2023-08-07. Review status: criteria provided, single submitter. Criteria: Ambry Variant Classification Scheme 2023. Collection method: clinical testing. Allele origin: germline.
Comment: The c.816-3C>G intronic variant results from a C to G substitution 3 nucleotides upstream from coding exon 6 in the NTHL1 gene. This nucleotide position is well conserved in available vertebrate species. In silico splice site analysis predicts that this alteration will weaken the native splice acceptor site and will result in the creation or strengthening of a novel splice acceptor site. Since supporting evidence is limited at this time, the clinical significance of this alteration remains unclear.

Literature cited by the submitters: PubMed 17576681 (cited by Labcorp Genetics (formerly Invitae), Labcorp); PubMed 9536098 (cited by Labcorp Genetics (formerly Invitae), Labcorp).

NM_002528.7(NTHL1):c.792-3C>G

Gene: NTHL1 (nth like DNA glycosylase 1; minus strand). Cytogenetic location: 16p13.3.
Variant type: single nucleotide variant.
Coding change: c.792-3C>G on transcript NM_002528.7 (MANE Select); 3 bases into the intron before coding-DNA position 792, C replaced by G.
Molecular consequence: intron variant.
Genome position (GRCh38, 1-based): chr16:2,040,050, G>C on the plus strand (C>G on the coding strand, the complement: NTHL1 is on the minus strand). VCF-style: chr16-2040050-G-C. GRCh37 (hg19) VCF-style: chr16-2090051-G-C.
Other names: c.462-3C>G (NM_001318194.2); c.621-3C>G (NM_001318193.2).
Identifiers: ClinVar variation 846174 (VCV000846174.11), dbSNP rs3087467, ClinGen allele CA620372274.